The following is an entry in ClinVar:

NM_022124.6(CDH23):c.3220G>A (p.Asp1074Asn)

Gene: CDH23 (cadherin related 23; plus strand). Cytogenetic location: 10q22.1.
Variant type: single nucleotide variant.
Coding change: c.3220G>A on transcript NM_022124.6 (MANE Select); coding-DNA position 3220, G replaced by A.
Protein change: p.Asp1074Asn; replaces aspartic acid 1074 with asparagine.
Molecular consequence: missense variant.
Genome position (GRCh38, 1-based): chr10:71,709,211, G>A. VCF-style: chr10-71709211-G-A. GRCh37 (hg19) VCF-style: chr10-73468968-G-A.
Other names: c.3220G>A, p.Asp1074Asn (NM_001171930.2); short protein forms D1074N.
Identifiers: ClinVar variation 1303895 (VCV001303895.8), dbSNP rs750452808, ClinGen allele CA5544515.

ClinVar aggregate classification (germline): Conflicting classifications of pathogenicity. Review status: criteria provided, conflicting classifications (1 of 4 stars). 3 submissions from 3 submitters: Likely pathogenic (2); Uncertain significance (1). Last evaluated 2025-12-15.

Conditions:
Usher syndrome. Also called: Usher's syndrome; Usher Syndromes. Identifiers: Orphanet 886, MedGen CN469326, MeSH D052245, MONDO:0019501. Disease mechanism: loss of function.

Allele frequency attached by ClinVar (database versions not stated): gnomAD exomes 0.00001; ExAC 0.00003; TOPMed below 0.00001; gnomAD 0.00001.
gnomAD v4.1: 13 of 1,613,140 alleles (0.00081%); highest among the groups gnomAD compares: South Asian, 0.0011%; no homozygotes.

Submissions (3):

Labcorp Genetics (formerly Invitae), Labcorp
Classification: Likely pathogenic. Last evaluated: 2025-12-15. Review status: criteria provided, single submitter. Criteria: Invitae Variant Classification Sherloc (09022015). Collection method: clinical testing. Allele origin: germline.
Comment: This sequence change replaces aspartic acid, which is acidic and polar, with asparagine, which is neutral and polar, at codon 1074 of the CDH23 protein (p.Asp1074Asn). This variant also falls at the last nucleotide of exon 27, which is part of the consensus splice site for this exon. This variant is present in population databases (rs750452808, gnomAD 0.003%). This missense change has been observed in individual(s) with deafness and/or Usher syndrome (PMID: 27460420, 27743452, 35020051). In at least one individual the data is consistent with being in trans (on the opposite chromosome) from a pathogenic variant. ClinVar contains an entry for this variant (Variation ID: 1303895). Experimental studies and prediction algorithms are not available or were not evaluated, and the functional significance of this variant is currently unknown. Variants that disrupt the consensus splice site are a relatively common cause of aberrant splicing (PMID: 17576681, 9536098). Algorithms developed to predict the effect of sequence changes on RNA splicing suggest that this variant may disrupt the consensus splice site. In summary, the currently available evidence indicates that the variant is pathogenic, but additional data are needed to prove that conclusively. Therefore, this variant has been classified as Likely Pathogenic.

Women's Health and Genetics/Laboratory Corporation of America, LabCorp
Classification: Likely pathogenic for Usher syndrome. Last evaluated: 2025-09-10. Review status: criteria provided, single submitter. Criteria: LabCorp Variant Classification Summary - May 2015. Collection method: clinical testing. Allele origin: germline.
Comment: Variant summary: CDH23 c.3220G>A (p.Asp1074Asn) results in a conservative amino acid change in the encoded protein sequence. Algorithms developed to predict the effect of missense changes on protein structure and function are either unavailable or do not agree on the potential impact of this missense change. Several computational tools predict a significant impact on normal splicing: Three predict the variant abolishes a 5' splicing donor site. One predicts the variant weakens a 5' donor site. However, these predictions have yet to be confirmed by functional studies. The variant allele was found at a frequency of 1.2e-05 in 248202 control chromosomes. c.3220G>A has been reported in the literature in compound heterozygous individuals affected with Usher Syndrome (e.g., Bonnet_2016, Kletke_2017, Usami_2022). These data indicate that the variant may be associated with disease. To our knowledge, no experimental evidence demonstrating an impact on protein function has been reported. The following publications have been ascertained in the context of this evaluation (PMID: 27460420, 27743452, 35020051). ClinVar contains an entry for this variant (Variation ID: 1303895). Based on the evidence outlined above, the variant was classified as likely pathogenic.

GeneDx
Classification: Uncertain significance. Last evaluated: 2019-10-28. Review status: criteria provided, single submitter. Criteria: GeneDx Variant Classification Process June 2021. Collection method: clinical testing. Allele origin: germline. Affected: yes.
Comment: Predicted to destroy the natural splice donor site; adjacent exon 27 is in frame; Not observed at a significant frequency in large population cohorts (Lek et al., 2016); This variant is associated with the following publications: (PMID: 27743452, 27460420)

Literature cited by the submitters: PubMed 27460420 (cited by Labcorp Genetics (formerly Invitae), Labcorp and Women's Health and Genetics/Laboratory Corporation of America, LabCorp); PubMed 27743452 (cited by Labcorp Genetics (formerly Invitae), Labcorp and Women's Health and Genetics/Laboratory Corporation of America, LabCorp); PubMed 35020051 (cited by Labcorp Genetics (formerly Invitae), Labcorp and Women's Health and Genetics/Laboratory Corporation of America, LabCorp); PubMed 17576681 (cited by Labcorp Genetics (formerly Invitae), Labcorp); PubMed 9536098 (cited by Labcorp Genetics (formerly Invitae), Labcorp).